The following is an entry in ClinVar:

ClinVar aggregate classification (germline): Uncertain significance (1 of 4 stars; one submission).

Allele frequency attached by ClinVar (database versions not stated): TOPMed below 0.00001.
gnomAD v4.1: 2 of 1,614,162 alleles (0.00012%); highest among the groups gnomAD compares: East Asian, 0.0022%; no homozygotes.

Submission:

Labcorp Genetics (formerly Invitae), Labcorp
Classification: Uncertain significance. Last evaluated: 2021-08-27. Review status: criteria provided, single submitter. Criteria: Invitae Variant Classification Sherloc (09022015). Collection method: clinical testing. Allele origin: germline.
Comment: This sequence change replaces methionine with valine at codon 654 of the ATP6V0A4 protein (p.Met654Val). The methionine residue is moderately conserved and there is a small physicochemical difference between methionine and valine. This variant is not present in population databases (ExAC no frequency). This variant has not been reported in the literature in individuals affected with ATP6V0A4-related conditions. Algorithms developed to predict the effect of missense changes on protein structure and function are either unavailable or do not agree on the potential impact of this missense change (SIFT: "Deleterious"; PolyPhen-2: "Possibly Damaging"; Align-GVGD: "Class C0"). In summary, the available evidence is currently insufficient to determine the role of this variant in disease. Therefore, it has been classified as a Variant of Uncertain Significance.

NM_020632.3(ATP6V0A4):c.1960A>G (p.Met654Val)

Gene: ATP6V0A4 (ATPase H+ transporting V0 subunit a4; minus strand). Cytogenetic location: 7q34.
Variant type: single nucleotide variant.
Coding change: c.1960A>G on transcript NM_020632.3 (MANE Select); coding-DNA position 1960, A replaced by G.
Protein change: p.Met654Val; replaces methionine 654 with valine.
Molecular consequence: missense variant.
Genome position (GRCh38, 1-based): chr7:138,728,811, T>C on the plus strand (A>G on the coding strand, the complement: ATP6V0A4 is on the minus strand). VCF-style: chr7-138728811-T-C. GRCh37 (hg19) VCF-style: chr7-138413556-T-C.
Other names: c.1960A>G, p.Met654Val (NM_130840.3, NM_130841.3); short protein forms M654V.
Identifiers: ClinVar variation 1005188 (VCV001005188.6), dbSNP rs778947921, ClinGen allele CA369378067.
Genomic context (GRCh38, chr7:138,728,811, plus strand): 5'-CAGCCCTTACCTGGGATTTCCGATGACTGGCTCTAAGAATAAACGGCTTAATCAGAAGCA[T>C]CCACGGCACAGAAATCAAAGCCATAACCACAAAGAAACTTTGGACTTCTTGCTGCAAGAC-3'
Protein context (NP_065683.2, residues 644-664): VVMALISVPW[Met654Val]LLIKPFILRA